The following is an entry in ClinVar:

NM_001040142.2(SCN2A):c.3454G>A (p.Ala1152Thr)

Gene: SCN2A (sodium voltage-gated channel alpha subunit 2; plus strand). Cytogenetic location: 2q24.3.
Variant type: single nucleotide variant.
Coding change: c.3454G>A on transcript NM_001040142.2 (MANE Select); coding-DNA position 3454, G replaced by A.
Protein change: p.Ala1152Thr; replaces alanine 1152 with threonine.
Molecular consequence: missense variant.
Genome position (GRCh38, 1-based): chr2:165,365,197, G>A. VCF-style: chr2-165365197-G-A. GRCh37 (hg19) VCF-style: chr2-166221707-G-A.
Other names: c.3454G>A, p.Ala1152Thr (NM_001040143.2, NM_001371246.1, NM_001371247.1 and 1 more transcripts); short protein forms A1152T.
Identifiers: ClinVar variation 958319 (VCV000958319.12), dbSNP rs766523968, ClinGen allele CA1940110.

ClinVar aggregate classification (germline): Likely benign. Review status: criteria provided, multiple submitters, no conflicts (2 of 4 stars). 2 submissions from 2 submitters: Likely benign (2). Last evaluated 2024-09-11.

Conditions:
Developmental and epileptic encephalopathy, 11 (DEE11). Also called: Early infantile epileptic encephalopathy 11. Identifiers: Orphanet 1934, MedGen C3150987, MONDO:0013388, OMIM 613721.
Seizures, benign familial infantile, 3 (BFIS3). Also called: CONVULSIONS, BENIGN FAMILIAL INFANTILE, 3; Familial neonatal seizures. Identifiers: Orphanet 140927, Orphanet 306, MedGen C1843140, MONDO:0011904, OMIM 607745.

Allele frequency attached by ClinVar (database versions not stated): gnomAD 0.00001; TOPMed 0.00002.
gnomAD v4.1: 60 of 1,613,642 alleles (0.0037%); highest among the groups gnomAD compares: East Asian, 0.013%; no homozygotes.

Submissions (2):

Labcorp Genetics (formerly Invitae), Labcorp
Classification: Likely benign for Seizures, benign familial infantile, 3; Developmental and epileptic encephalopathy, 11. Last evaluated: 2024-09-11. Review status: criteria provided, single submitter. Criteria: Invitae Variant Classification Sherloc (09022015). Collection method: clinical testing. Allele origin: germline.

GeneDx
Classification: Likely benign. Last evaluated: 2019-11-20. Review status: criteria provided, single submitter. Criteria: GeneDx Variant Classification Process June 2021. Collection method: clinical testing. Allele origin: germline. Affected: yes.
Comment: This substitution is predicted to be within the cytoplasmic loop between the second and third homologous domains